The following is an entry in ClinVar:

NM_004715.5(CTDP1):c.2872A>C (p.Asn958His)

Gene: CTDP1 (CTD phosphatase subunit 1; plus strand). Cytogenetic location: 18q23.
Variant type: single nucleotide variant.
Coding change: c.2872A>C on transcript NM_004715.5 (MANE Select); coding-DNA position 2872, A replaced by C.
Protein change: p.Asn958His; replaces asparagine 958 with histidine.
Molecular consequence: missense variant. On other transcripts: 3 prime UTR variant (2).
Genome position (GRCh38, 1-based): chr18:79,753,776, A>C. VCF-style: chr18-79753776-A-C. GRCh37 (hg19) VCF-style: chr18-77513776-A-C.
Other names: c.2515A>C, p.Asn839His (NM_001202504.1); c.*101A>C (NM_001318511.2); c.*105A>C (NM_048368.4); c.2872A>C (NM_004715.4); short protein forms N839H, N958H.
Identifiers: ClinVar variation 1436644 (VCV001436644.5), dbSNP rs144682012, ClinGen allele CA9010737.
Genomic context (GRCh38, chr18:79,753,776, plus strand): 5'-GAGGATGAGGGCAGCAGCTCCGAGGCCGACGAGATGGCCAAGGCGCTGGAGGCGGAGCTC[A>C]ACGACCTCATGTGAGCGCGGGCAGCGGGCAGGGACTGAAGCCTGACCGACCTCCAGCAGC-3'
Protein context (NP_004706.3, residues 948-961): EMAKALEAEL[Asn958His]DLM

ClinVar aggregate classification (germline): Uncertain significance. Review status: criteria provided, multiple submitters, no conflicts (2 of 4 stars). 2 submissions from 2 submitters: Uncertain significance (2). Last evaluated 2024-12-30.

Allele frequency attached by ClinVar (database versions not stated): gnomAD exomes 0.00002 and 0.00005; ExAC 0.00006; 1000 Genomes Project 0.00020; ESP Exome Variant Server 0.00023; gnomAD 0.00025; TOPMed 0.00028; 1000 Genomes Project 30x 0.00031.
gnomAD v4.1: 62 of 1,613,598 alleles (0.0038%); highest among the groups gnomAD compares: African/African-American, 0.076%; no homozygotes.

Submissions (2):

Ambry Genetics
Classification: Uncertain significance. Last evaluated: 2024-12-30. Review status: criteria provided, single submitter. Criteria: Ambry Variant Classification Scheme 2023. Collection method: clinical testing. Allele origin: germline.

Labcorp Genetics (formerly Invitae), Labcorp
Classification: Uncertain significance. Last evaluated: 2024-11-13. Review status: criteria provided, single submitter. Criteria: Invitae Variant Classification Sherloc (09022015). Collection method: clinical testing. Allele origin: germline.
Comment: This sequence change replaces asparagine, which is neutral and polar, with histidine, which is basic and polar, at codon 958 of the CTDP1 protein (p.Asn958His). This variant is present in population databases (rs144682012, gnomAD 0.07%). This variant has not been reported in the literature in individuals affected with CTDP1-related conditions. ClinVar contains an entry for this variant (Variation ID: 1436644). An algorithm developed to predict the effect of missense changes on protein structure and function (PolyPhen-2) suggests that this variant is likely to be disruptive. In summary, the available evidence is currently insufficient to determine the role of this variant in disease. Therefore, it has been classified as a Variant of Uncertain Significance.